The following is an entry in ClinVar:

NM_003482.4(KMT2D):c.14971C>T (p.Arg4991Trp)

Gene: KMT2D (lysine methyltransferase 2D; minus strand). Cytogenetic location: 12q13.12.
Variant type: single nucleotide variant.
Coding change: c.14971C>T on transcript NM_003482.4 (MANE Select); coding-DNA position 14971, C replaced by T.
Protein change: p.Arg4991Trp; replaces arginine 4991 with tryptophan.
Molecular consequence: missense variant.
Genome position (GRCh38, 1-based): chr12:49,026,995, G>A on the plus strand (C>T on the coding strand, the complement: KMT2D is on the minus strand). VCF-style: chr12-49026995-G-A. GRCh37 (hg19) VCF-style: chr12-49420778-G-A.
Other names: short protein forms R4991W.
Identifiers: ClinVar variation 2732170 (VCV002732170.7), dbSNP rs1427665021, ClinGen allele CA384690996.
Genomic context (GRCh38, chr12:49,026,995, plus strand): 5'-CTGCCACTTCCCGCTCATCCTCCTGCCGCCCACTGCCCTTCTGGATGGTCAGCAGCAGCC[G>A]AAGCCGCTTCCAGCGCACTCCTTTCCATTTCTTGAGGCGAGGAGGACGGGAATCTTCACC-3'
Protein context (NP_003473.3, residues 4981-5001): KWKGVRWKRL[Arg4991Trp]LLLTIQKGSG

ClinVar aggregate classification (germline): Conflicting classifications of pathogenicity. Review status: criteria provided, conflicting classifications (1 of 4 stars). 5 submissions from 5 submitters: Uncertain significance (4); Likely benign (1). Last evaluated 2026-04-17.

Conditions:
Inborn genetic diseases. Identifiers: MedGen C0950123, MeSH D030342.
Kabuki syndrome 1 (KABUK1). Also called: KMT2D-Related Kabuki Syndrome. Identifiers: Orphanet 2322, MedGen CN030661, MONDO:0007843, OMIM 147920.
Choanal atresia-athelia-hypothyroidism-delayed puberty-short stature syndrome (BCAHH). Also called: BRANCHIAL ARCH ABNORMALITIES, CHOANAL ATRESIA, ATHELIA, HEARING LOSS, AND HYPOTHYROIDISM SYNDROME. Identifiers: Orphanet 589856, MedGen C5680310, MONDO:0035651, OMIM 620186.
KMT2D-related disorder. Also called: KMT2D-Related Disorders.
Kabuki syndrome. Also called: NIIKAWA-KUROKI SYNDROME; Kabuki make-up syndrome. Identifiers: Orphanet 2322, MedGen C0796004, MONDO:0016512.

Allele frequency attached by ClinVar (database versions not stated): gnomAD exomes below 0.00001; gnomAD 0.00001; TOPMed 0.00001.
gnomAD v4.1: 4 of 1,613,918 alleles (0.00025%); highest among the groups gnomAD compares: Non-Finnish European, 0.00025%; no homozygotes.

Submissions (5):

Centre for Medical Genetics,  Mumbai
Classification: Likely benign for Kabuki syndrome 1. Last evaluated: 2026-04-17. Review status: criteria provided, single submitter. Criteria: ACMG Guidelines, 2015. Collection method: provider interpretation. Allele origin: germline. Inheritance: Autosomal dominant inheritance. Affected: no. Observed: 1 variant allele, 1 heterozygote.
Comment: The variant satisfies PM2 criteria - extremely low frequency in gnomAD population databases. The variant satisfies PP2 criteria - missense variant in a gene with low rate of benign missense mutations and for which missense mutation is a common mechanism of a disease. However, the variant satisfies BS2 criteria - present in heterozygous state in an individual that clinically does not have Kabuki syndrome.

Ambry Genetics
Classification: Uncertain significance for Inborn genetic diseases. Last evaluated: 2025-05-05. Review status: criteria provided, single submitter. Criteria: Ambry Variant Classification Scheme 2023. Collection method: clinical testing. Allele origin: germline.

PreventionGenetics, part of Exact Sciences
Classification: Uncertain significance for KMT2D-related condition. Last evaluated: 2024-10-16. Review status: criteria provided, single submitter. Criteria: ACMG Guidelines, 2015. Collection method: clinical testing. Allele origin: germline.
Comment: The KMT2D c.14971C>T variant is predicted to result in the amino acid substitution p.Arg4991Trp. To our knowledge, this variant has not been reported in the literature. This variant is reported in 0.0% of alleles in individuals of African descent in (as displayed in the table above). In gnomAD v4 (available only on GRCh38), this variant is reported in 0.0003% of alleles in a subpopulation. At this time, the clinical significance of this variant is uncertain due to the absence of conclusive functional and genetic evidence.

Fulgent Genetics
Classification: Uncertain significance for Kabuki syndrome 1; Choanal atresia-athelia-hypothyroidism-delayed puberty-short stature syndrome. Last evaluated: 2024-01-02. Review status: criteria provided, single submitter. Criteria: ACMG Guidelines, 2015. Collection method: clinical testing. Allele origin: germline.

Labcorp Genetics (formerly Invitae), Labcorp
Classification: Uncertain significance for Kabuki syndrome. Last evaluated: 2023-12-31. Review status: criteria provided, single submitter. Criteria: Invitae Variant Classification Sherloc (09022015). Collection method: clinical testing. Allele origin: germline.
Comment: This sequence change replaces arginine, which is basic and polar, with tryptophan, which is neutral and slightly polar, at codon 4991 of the KMT2D protein (p.Arg4991Trp). This variant is not present in population databases (gnomAD no frequency). This variant has not been reported in the literature in individuals affected with KMT2D-related conditions. Advanced modeling of protein sequence and biophysical properties (such as structural, functional, and spatial information, amino acid conservation, physicochemical variation, residue mobility, and thermodynamic stability) performed at Invitae indicates that this missense variant is not expected to disrupt KMT2D protein function with a negative predictive value of 95%. In summary, the available evidence is currently insufficient to determine the role of this variant in disease. Therefore, it has been classified as a Variant of Uncertain Significance.

Literature cited by the submitters: PubMed 20711175 (cited by Centre for Medical Genetics,  Mumbai).